The following is an entry in ClinVar:

ClinVar aggregate classification (germline): Uncertain significance. Review status: criteria provided, multiple submitters, no conflicts (2 of 4 stars). 12 submissions from 12 submitters: Uncertain significance (10). 2 of the submissions do not count toward it. Last evaluated 2026-04-16.

Conditions:
Cardiovascular phenotype. Identifiers: MedGen CN230736.
Myopathy, myosin storage, autosomal recessive (CMYO7B). Also called: CONGENITAL MYOPATHY 7B, MYOSIN STORAGE, AUTOSOMAL RECESSIVE. Identifiers: Orphanet 636970, MedGen C1850709, MONDO:0009708, OMIM 255160.
Myosin storage myopathy (CMYO7A). Also called: MYOPATHY WITH LYSIS OF TYPE I MYOFIBRILS; MYOPATHY, HYALINE BODY, AUTOSOMAL DOMINANT; Scapuloperoneal myopathy, MYH7-related; MYH7-related late-onset scapuloperoneal muscular dystrophy; Congenital myopathy 7A, myosin storage, autosomal dominant; SCAPULOPERONEAL MUSCULAR DYSTROPHY. Identifiers: Orphanet 437572, Orphanet 636965, MedGen C1842160, MONDO:0008409, OMIM 608358.
MYH7-related skeletal myopathy. Also called: Laing distal myopathy; Myopathy, distal, 1; MYOPATHY, DISTAL, EARLY-ONSET, AUTOSOMAL DOMINANT; MYOPATHY, LATE DISTAL HEREDITARY; Laing early-onset distal myopathy. Identifiers: Orphanet 59135, MedGen C4552004, MONDO:0008050, OMIM 160500.
Hypertrophic cardiomyopathy 1 (CMH1). Also called: MYH7-Related Familial Hypertrophic Cardiomyopathy; Familial hypertrophic cardiomyopathy 1. Identifiers: MedGen C3495498, MONDO:0008647, OMIM 192600.
Dilated cardiomyopathy 1S (CMD1S). Identifiers: Orphanet 154, Orphanet 54260, MedGen C1834481, MONDO:0013262, OMIM 613426.
Cardiomyopathy (CMYO). Also called: Cardiomyopathies. Identifiers: Orphanet 167848, MedGen C0878544, MONDO:0004994, HP:0001638. Inheritance: Various modes of inheritance.
Hypertrophic cardiomyopathy. Also called: HYPERTROPHIC MYOCARDIOPATHY. Identifiers: Orphanet 217569, MedGen C0007194, MeSH D002312, MONDO:0005045, HP:0001639.

Allele frequency attached by ClinVar (database versions not stated): gnomAD 0.00001 and 0.00002; gnomAD exomes 0.00001 and 0.00002; ExAC 0.00001; TOPMed 0.00003.
gnomAD v4.1: 16 of 1,613,918 alleles (0.00099%); highest among the groups gnomAD compares: Admixed American, 0.005%; no homozygotes.

Submissions (12):

Dasa
Classification: Uncertain significance. Last evaluated: 2026-04-16. Review status: criteria provided, single submitter. Criteria: DASA Assertion Criteria. Collection method: clinical testing. Allele origin: germline.
Comment: NM_000257.4(MYH7):c.3056C>A (p.Thr1019Asn) is a missense variant that results in the substitution of threonine with asparagine. This variant is rare in population databases. Computational prediction algorithms are consistent with a benign effect. The currently available literature and clinical evidence are not sufficient to establish a definitive association between this variant and the reported condition. Therefore, this variant is classified as a variant of uncertain significance.

Labcorp Genetics (formerly Invitae), Labcorp
Classification: Uncertain significance for Hypertrophic cardiomyopathy. Last evaluated: 2026-01-06. Review status: criteria provided, single submitter. Criteria: Invitae Variant Classification Sherloc (09022015). Collection method: clinical testing. Allele origin: germline.
Comment: This sequence change replaces threonine, which is neutral and polar, with asparagine, which is neutral and polar, at codon 1019 of the MYH7 protein (p.Thr1019Asn). This variant is present in population databases (rs755392435, gnomAD 0.006%). This missense change has been observed in individual(s) with dilated cardiomyopathy (PMID: 15769782). It has also been observed to segregate with disease in related individuals. ClinVar contains an entry for this variant (Variation ID: 195720). Invitae Evidence Modeling of protein sequence and biophysical properties (such as structural, functional, and spatial information, amino acid conservation, physicochemical variation, residue mobility, and thermodynamic stability) has been performed for this missense variant. However, the output from this modeling did not meet the statistical confidence thresholds required to predict the impact of this variant on MYH7 protein function. In summary, the available evidence is currently insufficient to determine the role of this variant in disease. Therefore, it has been classified as a Variant of Uncertain Significance.

Women's Health and Genetics/Laboratory Corporation of America, LabCorp
Classification: Uncertain significance. Last evaluated: 2025-09-11. Review status: criteria provided, single submitter. Criteria: LabCorp Variant Classification Summary - May 2015. Collection method: clinical testing. Allele origin: germline.
Comment: Variant summary: MYH7 c.3056C>A (p.Thr1019Asn) results in a non-conservative amino acid change in the encoded protein sequence. Algorithms developed to predict the effect of missense changes on protein structure and function are either unavailable or do not agree on the potential impact of this missense change. The variant allele was found at a frequency of 1.6e-05 in 251484 control chromosomes. c.3056C>A has been observed in individual(s) affected with Cardiomyopathy (Gomez_2014, Mademont_2017, Villard_2005). These data indicate that the variant may be associated with disease. To our knowledge, no experimental evidence demonstrating an impact on protein function has been reported. The following publications have been ascertained in the context of this evaluation (PMID: 25342278, 28771489, 15769782). ClinVar contains an entry for this variant (Variation ID: 195720). Based on the evidence outlined above, the variant was classified as VUS-possibly pathogenic.

Color Diagnostics, LLC DBA Color Health
Classification: Uncertain significance for Cardiomyopathy. Last evaluated: 2025-02-24. Review status: criteria provided, single submitter. Criteria: ACMG Guidelines, 2015. Collection method: clinical testing. Allele origin: germline.
Comment: This missense variant replaces threonine with asparagine at codon 1019 of the MYH7 protein. Computational prediction suggests that this variant may not impact protein structure and function. To our knowledge, functional studies have not been reported for this variant. This variant has been reported in three individuals affected with hypertrophic cardiomyopathy (PMID: 25342278, 33495597, 33642254). One of these individuals also carried a pathogenic variant in the TPM1 gene (PMID: 33642254). This variant has also been reported in an individual affected with dilated cardiomyopathy (PMID: 15769782). This variant has been identified in 4/251484 chromosomes in the general population by the Genome Aggregation Database (gnomAD). The available evidence is insufficient to determine the role of this variant in disease conclusively. Therefore, this variant is classified as a Variant of Uncertain Significance.

CeGaT Center for Human Genetics Tuebingen
Classification: Uncertain significance. Last evaluated: 2024-11-01. Review status: criteria provided, single submitter. Criteria: CeGaT Center For Human Genetics Tuebingen Variant Classification Criteria Version 2. Collection method: clinical testing. Allele origin: germline. Affected: yes. Observed: 1 variant allele.
Comment: MYH7: PM2

All of Us Research Program, National Institutes of Health
Classification: Uncertain significance for Cardiomyopathy. Last evaluated: 2024-08-13. Review status: criteria provided, single submitter. Criteria: ACMG Guidelines, 2015. Collection method: clinical testing. Allele origin: germline. Inheritance: Autosomal dominant inheritance. Observed: 11 variant alleles, 11 heterozygotes.
Comment: This missense variant replaces threonine with asparagine at codon 1019 of the MYH7 protein. Computational prediction tools indicate that this variant has a neutral impact on protein structure and function. To our knowledge, functional studies have not been reported for this variant. This variant has been reported in three individuals affected with hypertrophic cardiomyopathy (PMID: 25342278, 33495597, 33642254). One of these individuals also carried a pathogenic variant in the TPM1 gene (PMID: 33642254). This variant has also been reported in one individual affected with dilated cardiomyopathy (PMID: 15769782). This variant has been identified in 4/251484 chromosomes in the general population by the Genome Aggregation Database (gnomAD). The available evidence is insufficient to determine the role of this variant in disease conclusively. Therefore, this variant is classified as a Variant of Uncertain Significance.

This study involves interpretation of variants in research participants for the purpose of population health screening. Participant phenotype was not available at the time of variant classification. Additional details can be found in publication PMID: 35346344, PMCID: PMC8962531

Blueprint Genetics
Classification: Uncertain significance. Last evaluated: 2024-01-15. Review status: criteria provided, single submitter. Criteria: ACMG Guidelines, 2015. Collection method: clinical testing. Allele origin: germline.

Ambry Genetics
Classification: Uncertain significance for Cardiovascular phenotype. Last evaluated: 2023-12-27. Review status: criteria provided, single submitter. Criteria: Ambry Variant Classification Scheme 2023. Collection method: clinical testing. Allele origin: germline.
Comment: The p.T1019N variant (also known as c.3056C>A), located in coding exon 22 of the MYH7 gene, results from a C to A substitution at nucleotide position 3056. The threonine at codon 1019 is replaced by asparagine, an amino acid with similar properties. This alteration has been reported in a dilated cardiomyopathy (DCM) cohort and hypertrophic cardiomyopathy (HCM) cohorts; however, clinical details were limited (Villard E et al. Eur Heart J, 2005 Apr;26:794-803; G&oacute;mez J et al. Circ J, 2014 Oct;78:2963-71; Mademont-Soler I et al. PLoS One, 2017 Aug;12:e0181465). This amino acid position is well conserved in available vertebrate species. In addition, the in silico prediction for this alteration is inconclusive. Since supporting evidence is limited at this time, the clinical significance of this alteration remains unclear.

Eurofins Ntd Llc (ga)
Classification: Uncertain significance. Last evaluated: 2015-06-04. Review status: criteria provided, single submitter. Criteria: EGL Classification Definitions 2015. Collection method: clinical testing. Allele origin: germline. Observed: 1 variant allele, 1 heterozygote.

Center for Genomics, Ann and Robert H. Lurie Children's Hospital of Chicago
Classification: Uncertain significance for MYH7-related skeletal myopathy; Hypertrophic cardiomyopathy 1; Dilated cardiomyopathy 1S; Myosin storage myopathy; Myopathy, myosin storage, autosomal recessive. Review status: criteria provided, single submitter. Criteria: ACMG Guidelines, 2015. Collection method: clinical testing. Allele origin: germline.
Comment: MYH7 NM_000257.3 exon 24 p.Thr1019Asn (c.3056C>A):This variant has been reported in the literature in at least 1 individual with HCM and 1 individual with DCM, segregating with disease in at least 1 affected family member (Villard 2005 PMID:15769782, Gomez 2014 PMID:25342278). This variant is present in 2/33582 Latino alleles in the Genome Aggregation Database. This variant is present in ClinVar (Variation ID:195720). Evolutionary conservation and computational predictive tools for this variant are unclear. In summary, data on this variant is insufficient for disease classification. Therefore, the clinical significance of this variant is uncertain.

Genome Diagnostics Laboratory, University Medical Center Utrecht
Classification: Uncertain significance. Review status: no assertion criteria provided. Collection method: clinical testing. Allele origin: germline. Affected: yes. Study: VKGL Data-share Consensus. Not counted in ClinVar's aggregate classification.

Joint Genome Diagnostic Labs from Nijmegen and Maastricht, Radboudumc and MUMC+
Classification: Uncertain significance. Review status: no assertion criteria provided. Collection method: clinical testing. Allele origin: germline. Affected: yes. Study: VKGL Data-share Consensus. Not counted in ClinVar's aggregate classification.

Literature cited by the submitters: PubMed 15769782 (cited by 5 submitters); PubMed 25342278 (cited by 4 submitters); PubMed 28771489 (cited by Women's Health and Genetics/Laboratory Corporation of America, LabCorp and Ambry Genetics); PubMed 33495597 (cited by Color Diagnostics, LLC DBA Color Health and All of Us Research Program, National Institutes of Health); PubMed 33642254 (cited by Color Diagnostics, LLC DBA Color Health and All of Us Research Program, National Institutes of Health).

NM_000257.4(MYH7):c.3056C>A (p.Thr1019Asn)

Gene: MYH7 (myosin heavy chain 7; minus strand). Cytogenetic location: 14q11.2.
Variant type: single nucleotide variant.
Coding change: c.3056C>A on transcript NM_000257.4 (MANE Select); coding-DNA position 3056, C replaced by A.
Protein change: p.Thr1019Asn; replaces threonine 1019 with asparagine.
Molecular consequence: missense variant.
Genome position (GRCh38, 1-based): chr14:23,423,590, G>T on the plus strand (C>A on the coding strand, the complement: MYH7 is on the minus strand). VCF-style: chr14-23423590-G-T. GRCh37 (hg19) VCF-style: chr14-23892799-G-T.
Other names: short protein forms T1019N.
Identifiers: ClinVar variation 195720 (VCV000195720.43), dbSNP rs755392435, ClinGen allele CA013337.